The following is an entry in ClinVar:

NM_144993.1:c.2228C>T

Gene: TET3 (tet methylcytosine dioxygenase 3; plus strand).
Variant type: single nucleotide variant.
Other names: c.2228C>T (NM_144993.1).
Identifiers: ClinVar variation 4183072 (VCV004183072.1).

ClinVar aggregate classification (germline): Uncertain significance (1 of 4 stars; one submission).

Conditions:
Inborn genetic diseases. Identifiers: MedGen C0950123, MeSH D030342.

Submission:

Ambry Genetics
Classification: Uncertain significance for Inborn genetic diseases. Last evaluated: 2025-06-18. Review status: criteria provided, single submitter. Criteria: Ambry Variant Classification Scheme 2023. Collection method: clinical testing. Allele origin: germline.
Comment: The c.2228C>T (p.T743M) alteration is located in exon 3 (coding exon 3) of the TET3 gene. This alteration results from a C to T substitution at nucleotide position 2228, causing the threonine (T) at amino acid position 743 to be replaced by a methionine (M). This variant was not reported in population-based cohorts in the Genome Aggregation Database (gnomAD). This amino acid position is highly conserved in available vertebrate species. This missense alteration is located in a region that has a low rate of benign missense variation (Lek, 2016; Firth, 2009). This alteration is predicted to be deleterious by in silico analysis. Based on insufficient or conflicting evidence, the clinical significance of this alteration remains unclear.